The following is an entry in ClinVar:

ClinVar aggregate classification (germline): Uncertain significance (1 of 4 stars; one submission).

Conditions:
Developmental and epileptic encephalopathy, 8 (DEE8). Also called: HYPEREKPLEXIA AND EPILEPSY. Identifiers: Orphanet 163985, Orphanet 2076, MedGen C1845102, MONDO:0010375, OMIM 300607.

Submission:

Labcorp Genetics (formerly Invitae), Labcorp
Classification: Uncertain significance for Developmental and epileptic encephalopathy, 8. Last evaluated: 2024-04-04. Review status: criteria provided, single submitter. Criteria: Invitae Variant Classification Sherloc (09022015). Collection method: clinical testing. Allele origin: germline.
Comment: This sequence change replaces arginine, which is basic and polar, with histidine, which is basic and polar, at codon 462 of the ARHGEF9 protein (p.Arg462His). This variant is not present in population databases (gnomAD no frequency). This variant has not been reported in the literature in individuals affected with ARHGEF9-related conditions. Advanced modeling of protein sequence and biophysical properties (such as structural, functional, and spatial information, amino acid conservation, physicochemical variation, residue mobility, and thermodynamic stability) performed at Invitae indicates that this missense variant is not expected to disrupt ARHGEF9 protein function with a negative predictive value of 80%. In summary, the available evidence is currently insufficient to determine the role of this variant in disease. Therefore, it has been classified as a Variant of Uncertain Significance.

NM_001353921.2(ARHGEF9):c.1406G>A (p.Arg469His)

Gene: ARHGEF9 (Cdc42 guanine nucleotide exchange factor 9; minus strand). Cytogenetic location: Xq11.1.
Variant type: single nucleotide variant.
Coding change: c.1406G>A on transcript NM_001353921.2 (MANE Select); coding-DNA position 1406, G replaced by A.
Protein change: p.Arg469His; replaces arginine 469 with histidine.
Molecular consequence: missense variant. On other transcripts: 3 prime UTR variant (2).
Genome position (GRCh38, 1-based): chrX:63,638,194, C>T on the plus strand (G>A on the coding strand, the complement: ARHGEF9 is on the minus strand). VCF-style: chrX-63638194-C-T. GRCh37 (hg19) VCF-style: chrX-62858074-C-T.
Other names: c.1226G>A, p.Arg409His (NM_001173479.2); c.1079G>A, p.Arg360His (NM_001173480.2, NM_001369042.1); c.1322G>A, p.Arg441His (NM_001330495.2, NM_001369033.1, NM_001369034.1 and 4 more transcripts); c.1274G>A, p.Arg425His (NM_001353922.2); c.1424G>A, p.Arg475His (NM_001353923.1); c.1205G>A, p.Arg402His (NM_001353924.2, NM_001353926.2, NM_001369039.1 and 1 more transcripts); c.1190G>A, p.Arg397His (NM_001353927.2, NM_001369041.1); c.1253G>A, p.Arg418His (NM_001353928.2); and 3 more; short protein forms R280H, R397H, R425H, R462H, R360H, R418H, R469H, R402H.
Identifiers: ClinVar variation 2795044 (VCV002795044.3), dbSNP rs2519460813, ClinGen allele CA413401451.
Genomic context (GRCh38, chrX:63,638,194, plus strand): 5'-ACCAGGTACTGGCCGTGGTTTAACGGGTCCTGCGGTGGTGGGTAGGAAGGAGGAACTGAG[C>T]GGGCAGAGTTGACACCTAGAGTAGATGAGAGATCAAAGGGAAAGGGTATAAGTTATGTAA-3'
Protein context (NP_001340850.1, residues 459-479): VPKQKGVNSA[Arg469His]SVPPSYPPPQ